The following is an entry in ClinVar:

ClinVar aggregate classification (germline): Pathogenic (1 of 4 stars; one submission).

Conditions:
Medium-chain acyl-coenzyme A dehydrogenase deficiency (ACADMD). Also called: ACADM DEFICIENCY; CARNITINE DEFICIENCY SECONDARY TO MEDIUM-CHAIN ACYL-CoA DEHYDROGENASE DEFICIENCY; Medium chain acyl-CoA dehydrogenase deficiency; MCADH DEFICIENCY; MCADD; MCAD Deficiency. Identifiers: Orphanet 42, MedGen C0220710, MONDO:0008721, OMIM 201450.

Submission:

Labcorp Genetics (formerly Invitae), Labcorp
Classification: Pathogenic for Medium-chain acyl-coenzyme A dehydrogenase deficiency. Last evaluated: 2024-06-28. Review status: criteria provided, single submitter. Criteria: Invitae Variant Classification Sherloc (09022015). Collection method: clinical testing. Allele origin: germline.
Comment: This sequence change replaces arginine, which is basic and polar, with glycine, which is neutral and non-polar, at codon 294 of the ACADM protein (p.Arg294Gly). This variant is not present in population databases (gnomAD no frequency). This missense change has been observed in individual(s) with medium-chain acyl-coenzyme A dehydrogenase deficiency (Invitae). In at least one individual the data is consistent with being in trans (on the opposite chromosome) from a pathogenic variant. Advanced modeling of protein sequence and biophysical properties (such as structural, functional, and spatial information, amino acid conservation, physicochemical variation, residue mobility, and thermodynamic stability) performed at Invitae indicates that this missense variant is not expected to disrupt ACADM protein function with a negative predictive value of 80%. This variant disrupts the p.Arg294 amino acid residue in ACADM. Other variant(s) that disrupt this residue have been determined to be pathogenic (PMID: 15171998, 30675864). This suggests that this residue is clinically significant, and that variants that disrupt this residue are likely to be disease-causing. For these reasons, this variant has been classified as Pathogenic.

Literature cited by the submitters: PubMed 15171998; PubMed 30675864.

NM_000016.6(ACADM):c.880A>G (p.Arg294Gly)

Gene: ACADM (acyl-CoA dehydrogenase medium chain; plus strand). Cytogenetic location: 1p31.1.
Variant type: single nucleotide variant.
Coding change: c.880A>G on transcript NM_000016.6 (MANE Select); coding-DNA position 880, A replaced by G.
Protein change: p.Arg294Gly; replaces arginine 294 with glycine.
Molecular consequence: missense variant.
Genome position (GRCh38, 1-based): chr1:75,750,481, A>G. VCF-style: chr1-75750481-A-G. GRCh37 (hg19) VCF-style: chr1-76216166-A-G.
Other names: c.892A>G, p.Arg298Gly (NM_001127328.3); c.772A>G, p.Arg258Gly (NM_001286042.2); c.979A>G, p.Arg327Gly (NM_001286043.2); c.313A>G, p.Arg105Gly (NM_001286044.2); short protein forms R294G, R258G, R327G, R105G, R298G.
Identifiers: ClinVar variation 3653361 (VCV003653361.2).
Genomic context (GRCh38, chr1:75,750,481, plus strand): 5'-CTTTTGCTTTATAATATCTTAAAATACTAGGTAGCTGCTGGTGCTGTTGGATTAGCACAA[A>G]GAGCTTTGGATGAAGCTACCAAGTATGCCCTGGAAAGGAAAACTTTCGGAAAGCTACTTG-3'
Protein context (NP_000007.1, residues 284-304): VAAGAVGLAQ[Arg294Gly]ALDEATKYAL